The following is an entry in ClinVar:

ClinVar aggregate classification (germline): Likely benign. Review status: criteria provided, multiple submitters, no conflicts (2 of 4 stars). 3 submissions from 3 submitters: Likely benign (2). 1 of the submissions does not count toward it. Last evaluated 2025-02-24.

Conditions:
WDR4-related disorder. Also called: WDR4-Related Disorders; WDR4-related condition.

Allele frequency attached by ClinVar (database versions not stated): ExAC 0.00006; ESP Exome Variant Server 0.00008; TOPMed 0.00016; gnomAD 0.00017; 1000 Genomes Project 0.00040; 1000 Genomes Project 30x 0.00047.
gnomAD v4.1: 336 of 1,549,304 alleles (0.022%); highest among the groups gnomAD compares: African/African-American, 0.029%; 1 homozygote.

Submissions (3):

Labcorp Genetics (formerly Invitae), Labcorp
Classification: Likely benign. Last evaluated: 2025-02-24. Review status: criteria provided, single submitter. Criteria: Invitae Variant Classification Sherloc (09022015). Collection method: clinical testing. Allele origin: germline.

Blueprint Genetics
Classification: Likely benign. Last evaluated: 2023-08-23. Review status: criteria provided, single submitter. Criteria: ACMG Guidelines, 2015. Collection method: clinical testing. Allele origin: germline.

PreventionGenetics, part of Exact Sciences
Classification: Likely benign for WDR4-related condition. Last evaluated: 2019-02-28. Review status: no assertion criteria provided. Collection method: clinical testing. Allele origin: germline. Not counted in ClinVar's aggregate classification.
Comment: This variant is classified as likely benign based on ACMG/AMP sequence variant interpretation guidelines (Richards et al. 2015 PMID: 25741868, with internal and published modifications).

NM_018669.6(WDR4):c.723C>T (p.Pro241=)

Gene: WDR4 (WDR4 tRNA N7-guanosine methyltransferase non-catalytic subunit; minus strand). Cytogenetic location: 21q22.3.
Variant type: single nucleotide variant.
Coding change: c.723C>T on transcript NM_018669.6 (MANE Select); coding-DNA position 723, C replaced by T.
Protein change: p.Pro241=; no amino-acid change (proline 241 retained).
Molecular consequence: synonymous variant. On other transcripts: non-coding transcript variant (1).
Genome position (GRCh38, 1-based): chr21:42,855,685, G>A on the plus strand (C>T on the coding strand, the complement: WDR4 is on the minus strand). VCF-style: chr21-42855685-G-A. GRCh37 (hg19) VCF-style: chr21-44275795-G-A.
Other names: c.723C>T, p.Pro241= (NM_001260474.2, NM_033661.5); c.285C>T, p.Pro95= (NM_001260475.2, NM_001260476.2, NM_001260477.2 and 1 more transcripts); c.723C>T (NM_033661.4).
Identifiers: ClinVar variation 2186781 (VCV002186781.7), dbSNP rs142626373, ClinGen allele CA10045989.